The following is an entry in ClinVar:

ClinVar aggregate classification (germline): Benign/Likely benign. Review status: criteria provided, multiple submitters, no conflicts (2 of 4 stars). 5 submissions from 5 submitters: Benign (1); Likely benign (3). 1 of the submissions does not count toward it. Last evaluated 2026-01-28.

Conditions:
PCNT-related disorder. Also called: PCNT-related condition.
Microcephalic osteodysplastic primordial dwarfism type II (MOPD2). Also called: Microcephalic osteodysplastic primordial dwarfism with tooth abnormalities; MOPD II; OSTEODYSPLASTIC PRIMORDIAL DWARFISM, TYPE II. Identifiers: Orphanet 2637, MedGen C0432246, MONDO:0008872, OMIM 210720.

Allele frequency attached by ClinVar (database versions not stated): gnomAD exomes 0.00021 and 0.00030; ExAC 0.00036; 1000 Genomes Project 0.00140; 1000 Genomes Project 30x 0.00141; ESP Exome Variant Server 0.00169; gnomAD 0.00143 and 0.00148; TOPMed 0.00157.
gnomAD v4.1: 566 of 1,613,648 alleles (0.035%); highest among the groups gnomAD compares: African/African-American, 0.5%; 3 homozygotes.

Submissions (5):

Labcorp Genetics (formerly Invitae), Labcorp
Classification: Benign. Last evaluated: 2026-01-28. Review status: criteria provided, single submitter. Criteria: Invitae Variant Classification Sherloc (09022015). Collection method: clinical testing. Allele origin: germline.

Blueprint Genetics
Classification: Likely benign. Last evaluated: 2024-11-14. Review status: criteria provided, single submitter. Criteria: ACMG Guidelines, 2015. Collection method: clinical testing. Allele origin: germline.

GeneDx
Classification: Likely benign. Last evaluated: 2020-03-27. Review status: criteria provided, single submitter. Criteria: GeneDx Variant Classification Process June 2021. Collection method: clinical testing. Allele origin: germline. Affected: yes.

Illumina Laboratory Services, Illumina
Classification: Likely benign for Microcephalic osteodysplastic primordial dwarfism type II. Last evaluated: 2018-01-13. Review status: criteria provided, single submitter. Criteria: ICSL Variant Classification Criteria 13 December 2019. Collection method: clinical testing. Allele origin: germline.
Comment: This variant was observed in the ICSL laboratory as part of a predisposition screen in an ostensibly healthy population. It had not been previously curated by ICSL or reported in the Human Gene Mutation Database (HGMD: prior to June 1st, 2018), and was therefore a candidate for classification through an automated scoring system. Utilizing variant allele frequency, disease prevalence and penetrance estimates, and inheritance mode, an automated score was calculated to assess if this variant is too frequent to cause the disease. Based on the score and internal cut-off values, a variant classified as likely benign is not then subjected to further curation. The score for this variant resulted in a classification of likely benign for this disease.

PreventionGenetics, part of Exact Sciences
Classification: Likely benign for PCNT-related condition. Last evaluated: 2021-07-12. Review status: no assertion criteria provided. Collection method: clinical testing. Allele origin: germline. Not counted in ClinVar's aggregate classification.
Comment: This variant is classified as likely benign based on ACMG/AMP sequence variant interpretation guidelines (Richards et al. 2015 PMID: 25741868, with internal and published modifications).

NM_006031.6(PCNT):c.9949T>C (p.Leu3317=)

Gene: PCNT (pericentrin; plus strand). Cytogenetic location: 21q22.3.
Variant type: single nucleotide variant.
Coding change: c.9949T>C on transcript NM_006031.6 (MANE Select); coding-DNA position 9949, T replaced by C.
Protein change: p.Leu3317=; no amino-acid change (leucine 3317 retained).
Molecular consequence: synonymous variant.
Genome position (GRCh38, 1-based): chr21:46,444,803, T>C. VCF-style: chr21-46444803-T-C. GRCh37 (hg19) VCF-style: chr21-47864716-T-C.
Other names: c.9358T>C, p.Leu3120= (NM_001315529.2).
Identifiers: ClinVar variation 340547 (VCV000340547.18), dbSNP rs111389121, ClinGen allele CA10081555.